The following is an entry in ClinVar:

ClinVar aggregate classification (germline): Uncertain significance (0 of 4 stars; one submission).

Conditions:
GRIA1-related disorder. Also called: GRIA1-related condition.

Allele frequency attached by ClinVar (database versions not stated): gnomAD exomes below 0.00001.
gnomAD v4.1: 2 of 1,614,002 alleles (0.00012%); highest among the groups gnomAD compares: Non-Finnish European, 0.00017%; no homozygotes.

Submission:

PreventionGenetics, part of Exact Sciences
Classification: Uncertain significance for GRIA1-related condition. Last evaluated: 2024-02-14. Review status: no assertion criteria provided. Collection method: clinical testing. Allele origin: germline.
Comment: The GRIA1 c.826C>G variant is predicted to result in the amino acid substitution p.Arg276Gly. To our knowledge, this variant has not been reported in the literature or in a large population database, indicating this variant is rare. At this time, the clinical significance of this variant is uncertain due to the absence of conclusive functional and genetic evidence.

NM_000827.4(GRIA1):c.826C>G (p.Arg276Gly)

Gene: GRIA1 (glutamate ionotropic receptor AMPA type subunit 1; plus strand). Cytogenetic location: 5q33.2.
Variant type: single nucleotide variant.
Coding change: c.826C>G on transcript NM_000827.4 (MANE Select); coding-DNA position 826, C replaced by G.
Protein change: p.Arg276Gly; replaces arginine 276 with glycine.
Molecular consequence: missense variant. On other transcripts: non-coding transcript variant (2).
Genome position (GRCh38, 1-based): chr5:153,674,626, C>G. VCF-style: chr5-153674626-C-G. GRCh37 (hg19) VCF-style: chr5-153054186-C-G.
Other names: c.826C>G, p.Arg276Gly (NM_001114183.2, NM_001364165.2); c.586C>G, p.Arg196Gly (NM_001258019.2); c.541C>G, p.Arg181Gly (NM_001258020.2); c.856C>G, p.Arg286Gly (NM_001258021.2, NM_001258022.2); c.619C>G, p.Arg207Gly (NM_001258023.1, NM_001364167.2); c.853C>G, p.Arg285Gly (NM_001364166.2); short protein forms R181G, R196G, R207G, R276G, R285G, R286G.
Identifiers: ClinVar variation 3051517 (VCV003051517.2), dbSNP rs1235828717, ClinGen allele CA361901626.
Genomic context (GRCh38, chr5:153,674,626, plus strand): 5'-GTGAACTACACAGACACTATTCCGGCCAAGATCATGCAGCAGTGGAAGAATAGTGATGCT[C>G]GAGACCACACACGGGTGGACTGGAAGAGACCCAAGGTGAGTGGATGGGCAGCCAGCAGCA-3'
Protein context (NP_000818.2, residues 266-286): IMQQWKNSDA[Arg276Gly]DHTRVDWKRP